The following is an entry in ClinVar:

ClinVar aggregate classification (germline): Benign/Likely benign. Review status: criteria provided, multiple submitters, no conflicts (2 of 4 stars). 3 submissions from 3 submitters: Benign (1); Likely benign (2). Last evaluated 2025-10-13.

Allele frequency attached by ClinVar (database versions not stated): gnomAD exomes 0.00020; gnomAD 0.00037; TOPMed 0.00043; ExAC 0.00058; 1000 Genomes Project 0.00160.
gnomAD v4.1: 332 of 1,486,978 alleles (0.022%); highest among the groups gnomAD compares: East Asian, 0.64%; 1 homozygote.

Submissions (3):

Labcorp Genetics (formerly Invitae), Labcorp
Classification: Benign. Last evaluated: 2025-10-13. Review status: criteria provided, single submitter. Criteria: Invitae Variant Classification Sherloc (09022015). Collection method: clinical testing. Allele origin: germline.

Mayo Clinic Laboratories, Mayo Clinic
Classification: Likely benign. Last evaluated: 2025-07-22. Review status: criteria provided, single submitter. Criteria: ACMG Guidelines, 2015. Collection method: clinical testing. Allele origin: germline. Observed: 1 variant allele.
Comment: BS2, BP4_moderate

ARUP Laboratories, Molecular Genetics and Genomics, ARUP Laboratories
Classification: Likely benign. Last evaluated: 2024-05-02. Review status: criteria provided, single submitter. Criteria: ARUP Molecular Germline Variant Investigation Process 2024. Collection method: clinical testing. Allele origin: germline.

NM_001142864.4(PIEZO1):c.5636A>G (p.Glu1879Gly)

Gene: PIEZO1 (piezo type mechanosensitive ion channel component 1 (Er blood group); minus strand). Cytogenetic location: 16q24.3.
Variant type: single nucleotide variant.
Coding change: c.5636A>G on transcript NM_001142864.4 (MANE Select); coding-DNA position 5636, A replaced by G.
Protein change: p.Glu1879Gly; replaces glutamic acid 1879 with glycine.
Molecular consequence: missense variant.
Genome position (GRCh38, 1-based): chr16:88,721,198, T>C on the plus strand (A>G on the coding strand, the complement: PIEZO1 is on the minus strand). VCF-style: chr16-88721198-T-C. GRCh37 (hg19) VCF-style: chr16-88787606-T-C.
Other names: p.Glu1879Gly; c.4178A>G, p.Glu1393Gly (NM_014745.1); short protein forms E1393G, E1879G.
Identifiers: ClinVar variation 2155869 (VCV002155869.9), dbSNP rs76472561, ClinGen allele CA8231830.